The following is an entry in ClinVar:

NM_007186.6(CEP250):c.977A>C (p.His326Pro)

Genes: CEP250 (centrosomal protein 250; plus strand), CEP250-AS1 (CEP250 antisense RNA 1; minus strand). Cytogenetic location: 20q11.22.
Variant type: single nucleotide variant.
Coding change: c.977A>C on transcript NM_007186.6 (MANE Select); coding-DNA position 977, A replaced by C.
Protein change: p.His326Pro; replaces histidine 326 with proline.
Molecular consequence: missense variant. On other transcripts: 5 prime UTR variant (1).
Genome position (GRCh38, 1-based): chr20:35,472,078, A>C. VCF-style: chr20-35472078-A-C. GRCh37 (hg19) VCF-style: chr20-34059903-A-C.
Other names: c.-923A>C (NM_001318219.1); short protein forms H326P.
Identifiers: ClinVar variation 1949429 (VCV001949429.5), dbSNP rs2515658873, ClinGen allele CA408758887.

ClinVar aggregate classification (germline): Uncertain significance (1 of 4 stars; one submission).

Allele frequency attached by ClinVar (database versions not stated): gnomAD exomes below 0.00001.
gnomAD v4.1: 1 of 1,612,392 alleles (0.000062%); highest among the groups gnomAD compares: Non-Finnish European, 0.000085%; no homozygotes.

Submission:

Labcorp Genetics (formerly Invitae), Labcorp
Classification: Uncertain significance. Last evaluated: 2022-08-02. Review status: criteria provided, single submitter. Criteria: Invitae Variant Classification Sherloc (09022015). Collection method: clinical testing. Allele origin: germline.
Comment: This sequence change replaces histidine, which is basic and polar, with proline, which is neutral and non-polar, at codon 326 of the CEP250 protein (p.His326Pro). This variant is not present in population databases (gnomAD no frequency). This variant has not been reported in the literature in individuals affected with CEP250-related conditions. Algorithms developed to predict the effect of missense changes on protein structure and function are either unavailable or do not agree on the potential impact of this missense change (SIFT: "Not Available"; PolyPhen-2: "Benign"; Align-GVGD: "Not Available"). In summary, the available evidence is currently insufficient to determine the role of this variant in disease. Therefore, it has been classified as a Variant of Uncertain Significance.